The following is an entry in ClinVar:

NM_014956.5(CEP164):c.2784G>T (p.Glu928Asp)

Gene: CEP164 (centrosomal protein 164; plus strand). Cytogenetic location: 11q23.3.
Variant type: single nucleotide variant.
Coding change: c.2784G>T on transcript NM_014956.5 (MANE Select); coding-DNA position 2784, G replaced by T.
Protein change: p.Glu928Asp; replaces glutamic acid 928 with aspartic acid.
Molecular consequence: missense variant.
Genome position (GRCh38, 1-based): chr11:117,394,943, G>T. VCF-style: chr11-117394943-G-T. GRCh37 (hg19) VCF-style: chr11-117265659-G-T.
Other names: c.2793G>T, p.Glu931Asp (NM_001271933.2); short protein forms E928D, E931D.
Identifiers: ClinVar variation 641654 (VCV000641654.8), dbSNP rs143446218, ClinGen allele CA6295218.

ClinVar aggregate classification (germline): Uncertain significance. Review status: criteria provided, multiple submitters, no conflicts (2 of 4 stars). 4 submissions from 4 submitters: Uncertain significance (3). 1 of the submissions does not count toward it. Last evaluated 2024-11-04.

Conditions:
Nephronophthisis 15 (NPHP15). Identifiers: Orphanet 3156, MedGen C3541853, MONDO:0013917, OMIM 614845.
CEP164-related disorder. Also called: CEP164-related condition.
Inborn genetic diseases. Identifiers: MedGen C0950123, MeSH D030342.

Allele frequency attached by ClinVar (database versions not stated): gnomAD 0.00001; gnomAD exomes 0.00001 and 0.00003; ExAC 0.00002; TOPMed 0.00002; ESP Exome Variant Server 0.00008.
gnomAD v4.1: 43 of 1,614,076 alleles (0.0027%); highest among the groups gnomAD compares: Non-Finnish European, 0.0035%; no homozygotes.

Submissions (4):

Labcorp Genetics (formerly Invitae), Labcorp
Classification: Uncertain significance for Nephronophthisis 15. Last evaluated: 2024-11-04. Review status: criteria provided, single submitter. Criteria: Invitae Variant Classification Sherloc (09022015). Collection method: clinical testing. Allele origin: germline.
Comment: This sequence change replaces glutamic acid, which is acidic and polar, with aspartic acid, which is acidic and polar, at codon 928 of the CEP164 protein (p.Glu928Asp). This variant is present in population databases (rs143446218, gnomAD 0.003%). This variant has not been reported in the literature in individuals affected with CEP164-related conditions. ClinVar contains an entry for this variant (Variation ID: 641654). Invitae Evidence Modeling of protein sequence and biophysical properties (such as structural, functional, and spatial information, amino acid conservation, physicochemical variation, residue mobility, and thermodynamic stability) has been performed for this missense variant. However, the output from this modeling did not meet the statistical confidence thresholds required to predict the impact of this variant on CEP164 protein function. In summary, the available evidence is currently insufficient to determine the role of this variant in disease. Therefore, it has been classified as a Variant of Uncertain Significance.

Ambry Genetics
Classification: Uncertain significance for Inborn genetic diseases. Last evaluated: 2024-03-15. Review status: criteria provided, single submitter. Criteria: Ambry Variant Classification Scheme 2023. Collection method: clinical testing. Allele origin: germline.

Fulgent Genetics
Classification: Uncertain significance for Nephronophthisis 15. Last evaluated: 2021-07-07. Review status: criteria provided, single submitter. Criteria: ACMG Guidelines, 2015. Collection method: clinical testing. Allele origin: unknown.

PreventionGenetics, part of Exact Sciences
Classification: Uncertain significance for CEP164-related condition. Last evaluated: 2024-09-04. Review status: no assertion criteria provided. Collection method: clinical testing. Allele origin: germline. Not counted in ClinVar's aggregate classification.
Comment: The CEP164 c.2784G>T variant is predicted to result in the amino acid substitution p.Glu928Asp. To our knowledge, this variant has not been reported in the literature. This variant is reported in 0.0026% of alleles in individuals of European (Non-Finnish) descent in gnomAD. At this time, the clinical significance of this variant is uncertain due to the absence of conclusive functional and genetic evidence.